The following is an entry in ClinVar:

ClinVar aggregate classification (germline): Uncertain significance (1 of 4 stars; one submission).

Conditions:
Hereditary hyperekplexia. Identifiers: Orphanet 3197, MedGen C4084968, MONDO:0021022.

gnomAD v4.1: 3 of 1,614,088 alleles (0.00019%); highest among the groups gnomAD compares: Non-Finnish European, 0.00025%; no homozygotes.

Submission:

Labcorp Genetics (formerly Invitae), Labcorp
Classification: Uncertain significance for Hereditary hyperekplexia. Last evaluated: 2024-05-18. Review status: criteria provided, single submitter. Criteria: Invitae Variant Classification Sherloc (09022015). Collection method: clinical testing. Allele origin: germline.
Comment: This sequence change replaces leucine, which is neutral and non-polar, with valine, which is neutral and non-polar, at codon 113 of the GLRA1 protein (p.Leu113Val). This variant is not present in population databases (gnomAD no frequency). This variant has not been reported in the literature in individuals affected with GLRA1-related conditions. Advanced modeling of protein sequence and biophysical properties (such as structural, functional, and spatial information, amino acid conservation, physicochemical variation, residue mobility, and thermodynamic stability) has been performed at Invitae for this missense variant, however the output from this modeling did not meet the statistical confidence thresholds required to predict the impact of this variant on GLRA1 protein function. In summary, the available evidence is currently insufficient to determine the role of this variant in disease. Therefore, it has been classified as a Variant of Uncertain Significance.

NM_000171.4(GLRA1):c.337C>G (p.Leu113Val)

Gene: GLRA1 (glycine receptor alpha 1; minus strand). Cytogenetic location: 5q33.1.
Variant type: single nucleotide variant.
Coding change: c.337C>G on transcript NM_000171.4 (MANE Select); coding-DNA position 337, C replaced by G.
Protein change: p.Leu113Val; replaces leucine 113 with valine.
Molecular consequence: missense variant.
Genome position (GRCh38, 1-based): chr5:151,859,924, G>C on the plus strand (C>G on the coding strand, the complement: GLRA1 is on the minus strand). VCF-style: chr5-151859924-G-C. GRCh37 (hg19) VCF-style: chr5-151239485-G-C.
Other names: c.337C>G, p.Leu113Val (NM_001146040.2); c.88C>G, p.Leu30Val (NM_001292000.2); short protein forms L30V, L113V.
Identifiers: ClinVar variation 3689499 (VCV003689499.2).